The following is an entry in ClinVar:

ClinVar aggregate classification (germline): Uncertain significance (1 of 4 stars; one submission).

Conditions:
Hypogonadotropic hypogonadism 1 with or without anosmia (HH1). Also called: KAL1-Related GnRH Deficiency (Kallmann Syndrome 1; Kallmann Syndrome, X-Linked); Hypogonadotropic hypogonadism 1 with or without anosmia (Kallmann syndrome 1); Kallmann syndrome, type 1, X-linked; HYPOGONADOTROPIC HYPOGONADISM 1 WITH ANOSMIA; DYSPLASIA OLFACTOGENITALIS OF DE MORSIER; HYPOGONADOTROPIC HYPOGONADISM AND ANOSMIA. Identifiers: Orphanet 478, MedGen C1563719, MONDO:0010635, OMIM 308700. Disease mechanism: loss of function.

Submission:

Geisinger Autism and Developmental Medicine Institute, Geisinger Health System
Classification: Uncertain significance for Hypogonadotropic hypogonadism 1 with or without anosmia. Last evaluated: 2017-08-10. Review status: criteria provided, single submitter. Criteria: ACMG CNV Guidelines, 2011. Collection method: provider interpretation. Allele origin: unknown.
Comment: Parental samples are unavailable, so inheritance is unknown.

Literature cited by the submitters: PubMed 23100014.

Single allele

Gene: ANOS1 (anosmin 1; minus strand). Cytogenetic location: Xp22.31.
Variant type: Duplication.
Identifiers: ClinVar variation 560085 (VCV000560085.3).